The following is an entry in ClinVar:

ClinVar aggregate classification (germline): Uncertain significance. Review status: criteria provided, multiple submitters, no conflicts (2 of 4 stars). 2 submissions from 2 submitters: Uncertain significance (2). Last evaluated 2026-07-14.

Conditions:
Inborn genetic diseases. Identifiers: MedGen C0950123, MeSH D030342.
Charcot-Marie-Tooth disease type 2E (CMT2E). Also called: CHARCOT-MARIE-TOOTH DISEASE, AXONAL, TYPE 2E; CHARCOT-MARIE-TOOTH NEUROPATHY, TYPE 2E. Identifiers: Orphanet 99939, MedGen C1843225, MONDO:0011894, OMIM 607684.

Allele frequency attached by ClinVar (database versions not stated): ExAC 0.00001.

Submissions (2):

Ambry Genetics
Classification: Uncertain significance for Inborn genetic diseases. Last evaluated: 2026-07-14. Review status: criteria provided, single submitter. Criteria: Ambry Variant Classification Scheme 2023. Collection method: clinical testing. Allele origin: germline.

Labcorp Genetics (formerly Invitae), Labcorp
Classification: Uncertain significance for Charcot-Marie-Tooth disease type 2E. Last evaluated: 2022-05-11. Review status: criteria provided, single submitter. Criteria: Invitae Variant Classification Sherloc (09022015). Collection method: clinical testing. Allele origin: germline.
Comment: In summary, the available evidence is currently insufficient to determine the role of this variant in disease. Therefore, it has been classified as a Variant of Uncertain Significance. Experimental studies and prediction algorithms are not available or were not evaluated, and the functional significance of this variant is currently unknown. This variant has not been reported in the literature in individuals affected with NEFL-related conditions. This variant is present in population databases (rs775775697, gnomAD 0.003%). This sequence change replaces alanine, which is neutral and non-polar, with glycine, which is neutral and non-polar, at codon 256 of the NEFL protein (p.Ala256Gly).

NM_006158.5(NEFL):c.767C>G (p.Ala256Gly)

Gene: NEFL (neurofilament light chain; minus strand). Cytogenetic location: 8p21.2.
Variant type: single nucleotide variant.
Coding change: c.767C>G on transcript NM_006158.5 (MANE Select); coding-DNA position 767, C replaced by G.
Protein change: p.Ala256Gly; replaces alanine 256 with glycine.
Molecular consequence: missense variant.
Genome position (GRCh38, 1-based): chr8:24,955,749, G>C on the plus strand (C>G on the coding strand, the complement: NEFL is on the minus strand). VCF-style: chr8-24955749-G-C. GRCh37 (hg19) VCF-style: chr8-24813263-G-C.
Other names: c.767C>G (NM_006158.3); short protein forms A256G.
Identifiers: ClinVar variation 1993015 (VCV001993015.5), dbSNP rs775775697, ClinGen allele CA4681441.
Genomic context (GRCh38, chr8:24,955,749, plus strand): 5'-GCGTTCTGCATGTTCTTGGCGGCCAGCTTCTCGTACTGCGCGCGGATGTCCTTGAGCGCG[G>C]CGGAAAGGTCGGGCTTGGTCACGTCCATCTCCACGGAGATCTGCGCGTACTGGATCTGCG-3'
Protein context (NP_006149.2, residues 246-266): EMDVTKPDLS[Ala256Gly]ALKDIRAQYE